The following is an entry in ClinVar:

ClinVar aggregate classification (germline): Uncertain significance. Review status: criteria provided, multiple submitters, no conflicts (2 of 4 stars). 2 submissions from 2 submitters: Uncertain significance (2). Last evaluated 2024-07-31.

Allele frequency attached by ClinVar (database versions not stated): ExAC 0.00002; gnomAD 0.00003.
gnomAD v4.1: 41 of 1,613,844 alleles (0.0025%); highest among the groups gnomAD compares: Non-Finnish European, 0.0032%; no homozygotes.

Submissions (2):

Blueprint Genetics
Classification: Uncertain significance. Last evaluated: 2024-07-31. Review status: criteria provided, single submitter. Criteria: ACMG Guidelines, 2015. Collection method: clinical testing. Allele origin: germline.

Labcorp Genetics (formerly Invitae), Labcorp
Classification: Uncertain significance. Last evaluated: 2021-12-27. Review status: criteria provided, single submitter. Criteria: Invitae Variant Classification Sherloc (09022015). Collection method: clinical testing. Allele origin: germline.
Comment: This sequence change replaces arginine, which is basic and polar, with cysteine, which is neutral and slightly polar, at codon 598 of the COQ8A protein (p.Arg598Cys). This variant is present in population databases (rs760352291, gnomAD 0.006%). This variant has not been reported in the literature in individuals affected with COQ8A-related conditions. Advanced modeling of protein sequence and biophysical properties (such as structural, functional, and spatial information, amino acid conservation, physicochemical variation, residue mobility, and thermodynamic stability) performed at Invitae indicates that this missense variant is expected to disrupt COQ8A protein function. In summary, the available evidence is currently insufficient to determine the role of this variant in disease. Therefore, it has been classified as a Variant of Uncertain Significance.

NM_020247.5(COQ8A):c.1792C>T (p.Arg598Cys)

Gene: COQ8A (coenzyme Q8A; plus strand). Cytogenetic location: 1q42.13.
Variant type: single nucleotide variant.
Coding change: c.1792C>T on transcript NM_020247.5 (MANE Select); coding-DNA position 1792, C replaced by T.
Protein change: p.Arg598Cys; replaces arginine 598 with cysteine.
Molecular consequence: missense variant.
Genome position (GRCh38, 1-based): chr1:226,986,585, C>T. VCF-style: chr1-226986585-C-T. GRCh37 (hg19) VCF-style: chr1-227174286-C-T.
Other names: short protein forms R598C.
Identifiers: ClinVar variation 2064146 (VCV002064146.2), dbSNP rs760352291, ClinGen allele CA1425667.